The following is an entry in ClinVar:

NM_015087.5(SPART):c.1294del (p.Ser432fs)

Gene: SPART (spartin; minus strand). Cytogenetic location: 13q13.3.
Variant type: Deletion.
Coding change: c.1294del on transcript NM_015087.5 (MANE Select); coding-DNA position 1294, one base deleted (T; older notation c.1294delT).
Protein change: p.Ser432fs; shifts the reading frame from serine 432.
Molecular consequence: frameshift variant.
Genome position (GRCh38, 1-based): chr13:36,314,416, A deleted on the plus strand (T on the coding strand, the reverse complement: SPART is on the minus strand); the first of 2 consecutive A bases (chr13:36,314,416-36,314,417); deleting either gives the same sequence. VCF-style (leftmost placement, unchanged base first): chr13-36314415-GA-G. GRCh37 (hg19) VCF-style: chr13-36888552-GA-G.
Other names: c.1294del, p.Ser432fs (NM_001142294.2, NM_001142295.2, NM_001142296.2); short protein forms S432fs.
Identifiers: ClinVar variation 1070060 (VCV001070060.8), dbSNP rs2137335988, ClinGen allele CA2499222404.
Genomic context (GRCh38, chr13:36,314,415, plus strand): 5'-CCTTTCTGGATTGCCTTACCAGTAATCTCAGCACCTTTGACTAAACCCCAACTCACCCAG[GA>G]AGCACCTTTTTAAAAGAAAATTTAAAATTGCACAATATTAGGGCTAATTATGCTTTTGAA-3'

ClinVar aggregate classification (germline): Pathogenic. Review status: criteria provided, multiple submitters, no conflicts (2 of 4 stars). 2 submissions from 2 submitters: Pathogenic (2). Last evaluated 2022-01-04.

Conditions:
Troyer syndrome (SPG20). Identifiers: Orphanet 101000, MedGen C0393559, MONDO:0010156, OMIM 275900.

Submissions (2):

Baylor Genetics
Classification: Pathogenic for Troyer syndrome. Last evaluated: 2022-01-04. Review status: criteria provided, single submitter. Criteria: ACMG Guidelines, 2015. Collection method: clinical testing. Allele origin: unknown.

Labcorp Genetics (formerly Invitae), Labcorp
Classification: Pathogenic. Last evaluated: 2020-02-22. Review status: criteria provided, single submitter. Criteria: Invitae Variant Classification Sherloc (09022015). Collection method: clinical testing. Allele origin: germline.
Comment: This sequence change creates a premature translational stop signal (p.Ser432Profs*3) in the SPART gene. It is expected to result in an absent or disrupted protein product. This variant is not present in population databases (ExAC no frequency). This variant has not been reported in the literature in individuals with SPART-related conditions. Loss-of-function variants in SPART are known to be pathogenic (PMID: 18413476, 20437587, 20504295). For these reasons, this variant has been classified as Pathogenic.

Literature cited by the submitters: PubMed 18413476 (cited by Labcorp Genetics (formerly Invitae), Labcorp); PubMed 20437587 (cited by Labcorp Genetics (formerly Invitae), Labcorp); PubMed 20504295 (cited by Labcorp Genetics (formerly Invitae), Labcorp).